The following is an entry in ClinVar:

ClinVar aggregate classification (germline): Benign (1 of 4 stars; one submission).

Allele frequency attached by ClinVar (database versions not stated): 1000 Genomes Project 30x 0.00453; 1000 Genomes Project 0.00459; TOPMed 0.00655; ESP Exome Variant Server 0.00761; gnomAD 0.00825; gnomAD exomes 0.01067; ExAC 0.01190.
gnomAD v4.1: 16,498 of 1,588,802 alleles (1%); highest among the groups gnomAD compares: Non-Finnish European, 1.2%; 100 homozygotes.

Submission:

CeGaT Center for Human Genetics Tuebingen
Classification: Benign. Last evaluated: 2024-04-01. Review status: criteria provided, single submitter. Criteria: CeGaT Center For Human Genetics Tuebingen Variant Classification Criteria Version 2. Collection method: clinical testing. Allele origin: germline. Affected: yes. Observed: 1 variant allele.
Comment: NCBP1: BP4, BS1, BS2

NM_002486.5(NCBP1):c.9G>A (p.Arg3=)

Gene: NCBP1 (nuclear cap binding protein subunit 1; plus strand). Cytogenetic location: 9q22.33.
Variant type: single nucleotide variant.
Coding change: c.9G>A on transcript NM_002486.5 (MANE Select); coding-DNA position 9, G replaced by A.
Protein change: p.Arg3=; no amino-acid change (arginine 3 retained).
Molecular consequence: synonymous variant. On other transcripts: 5 prime UTR variant (4).
Genome position (GRCh38, 1-based): chr9:97,633,890, G>A. VCF-style: chr9-97633890-G-A. GRCh37 (hg19) VCF-style: chr9-100396172-G-A.
Other names: c.-222G>A (NM_001351504.2); c.-470G>A (NM_001351505.2); c.-499G>A (NM_001351506.2); c.-1038G>A (NM_001351507.2).
Identifiers: ClinVar variation 3234164 (VCV003234164.20), dbSNP rs11554641, ClinGen allele CA5147981.
Genomic context (GRCh38, chr9:97,633,890, plus strand): 5'-CTGCAGCGCTTACCGCCTGGCCTCTCGGTTCCGCGGCGCACCGGAGGGCAGCATGTCGCG[G>A]CGGCGGCACAGCGACGAGAACGACGGTGAGTGCCTGCGGCCCGGCCACGGAGGCCGCTCC-3'
Protein context (NP_002477.1, residues 1-13): MS[Arg3=]RRHSDENDGG